The following is an entry in ClinVar:

NM_018668.5(VPS33B):c.84T>G (p.Tyr28Ter)

Gene: VPS33B (VPS33B late endosome and lysosome associated; minus strand). Cytogenetic location: 15q26.1.
Variant type: single nucleotide variant.
Coding change: c.84T>G on transcript NM_018668.5 (MANE Select); coding-DNA position 84, T replaced by G.
Protein change: p.Tyr28Ter; replaces tyrosine 28 with a stop codon.
Molecular consequence: nonsense. On other transcripts: 5 prime UTR variant (1).
Genome position (GRCh38, 1-based): chr15:91,022,166, A>C on the plus strand (T>G on the coding strand, the complement: VPS33B is on the minus strand). VCF-style: chr15-91022166-A-C. GRCh37 (hg19) VCF-style: chr15-91565396-A-C.
Other names: c.84T>G, p.Tyr28Ter (NM_001289148.1); c.-128T>G (NM_001289149.1); short protein forms Y28*.
Identifiers: ClinVar variation 3721344 (VCV003721344.2).

ClinVar aggregate classification (germline): Pathogenic (1 of 4 stars; one submission).

gnomAD v4.1: 1 of 1,565,284 alleles (0.000064%); highest among the groups gnomAD compares: Non-Finnish European, 0.000087%; no homozygotes.

Submission:

Labcorp Genetics (formerly Invitae), Labcorp
Classification: Pathogenic. Last evaluated: 2024-09-22. Review status: criteria provided, single submitter. Criteria: Invitae Variant Classification Sherloc (09022015). Collection method: clinical testing. Allele origin: germline.
Comment: This sequence change creates a premature translational stop signal (p.Tyr28*) in the VPS33B gene. It is expected to result in an absent or disrupted protein product. Loss-of-function variants in VPS33B are known to be pathogenic (PMID: 15052268, 16896922). This variant is not present in population databases (gnomAD no frequency). This variant has not been reported in the literature in individuals affected with VPS33B-related conditions. For these reasons, this variant has been classified as Pathogenic.

Literature cited by the submitters: PubMed 15052268; PubMed 16896922.